The following is an entry in ClinVar:

ClinVar aggregate classification (germline): Uncertain significance (1 of 4 stars; one submission).

Conditions:
Developmental and epileptic encephalopathy, 23 (DEE23). Also called: Epileptic encephalopathy, early infantile, 23. Identifiers: Orphanet 411986, MedGen C4014492, MONDO:0014371, OMIM 615859.

Allele frequency attached by ClinVar (database versions not stated): ExAC 0.00001; gnomAD exomes 0.00001 and 0.00002; gnomAD 0.00003; TOPMed 0.00003; ESP Exome Variant Server 0.00008.
gnomAD v4.1: 38 of 1,613,338 alleles (0.0024%); highest among the groups gnomAD compares: South Asian, 0.012%; no homozygotes.

Submission:

Labcorp Genetics (formerly Invitae), Labcorp
Classification: Uncertain significance for Developmental and epileptic encephalopathy, 23. Last evaluated: 2022-08-23. Review status: criteria provided, single submitter. Criteria: Invitae Variant Classification Sherloc (09022015). Collection method: clinical testing. Allele origin: germline.
Comment: This sequence change replaces threonine, which is neutral and polar, with methionine, which is neutral and non-polar, at codon 1163 of the DOCK7 protein (p.Thr1163Met). This variant is present in population databases (rs150534037, gnomAD 0.007%). This variant has not been reported in the literature in individuals affected with DOCK7-related conditions. ClinVar contains an entry for this variant (Variation ID: 934327). Algorithms developed to predict the effect of missense changes on protein structure and function are either unavailable or do not agree on the potential impact of this missense change (SIFT: "Deleterious"; PolyPhen-2: "Probably Damaging"; Align-GVGD: "Class C0"). In summary, the available evidence is currently insufficient to determine the role of this variant in disease. Therefore, it has been classified as a Variant of Uncertain Significance.

NM_001367561.1(DOCK7):c.3488C>T (p.Thr1163Met)

Gene: DOCK7 (dedicator of cytokinesis 7; minus strand). Cytogenetic location: 1p31.3.
Variant type: single nucleotide variant.
Coding change: c.3488C>T on transcript NM_001367561.1 (MANE Select); coding-DNA position 3488, C replaced by T.
Protein change: p.Thr1163Met; replaces threonine 1163 with methionine.
Molecular consequence: missense variant.
Genome position (GRCh38, 1-based): chr1:62,535,616, G>A on the plus strand (C>T on the coding strand, the complement: DOCK7 is on the minus strand). VCF-style: chr1-62535616-G-A. GRCh37 (hg19) VCF-style: chr1-63001287-G-A.
Other names: c.3488C>T, p.Thr1163Met (NM_001271999.2, NM_001330614.2); c.3395C>T, p.Thr1132Met (NM_001272000.2, NM_001272001.2, NM_033407.4); short protein forms T1163M, T1132M.
Identifiers: ClinVar variation 934327 (VCV000934327.7), dbSNP rs150534037, ClinGen allele CA885974.